The following is an entry in ClinVar:

GRCh38/hg38 5q14.3-15(chr5:87124838-93383020)x3

Genes: ADGRV1 (adhesion G protein-coupled receptor V1; plus strand), ARRDC3 (arrestin domain containing 3; minus strand), ARRDC3-AS1 (ARRDC3 antisense RNA 1; plus strand), CCNH (cyclin H; minus strand), CETN3 (centrin 3; minus strand) and 119 more. Cytogenetic location: 5q14.3-15.
Variant type: copy number gain.
Change: copy number 3 (three copies instead of two) of chr5:87,124,838-93,383,020 (6.26 Mb, GRCh38 coordinates, 1-based), cytogenetic band 5q14.3-15.
Identifiers: ClinVar variation 58097 (VCV000058097.1).

ClinVar aggregate classification (germline): Pathogenic (1 of 4 stars; one submission).

Submission:

ISCA site 14
Classification: Pathogenic. Last evaluated: 2011-08-12. Review status: criteria provided, single submitter. Criteria: Kaminsky et al. (Genet Med. 2011). Collection method: clinical testing. Allele origin: de novo. Affected: yes. Observed: 1 variant allele.
Comment: Copy number variation identified through the course of routine clinical cytogenomic testing in postnatal populations. Clinical assertions have been curated as described in Kaminsky et al. 2011.